The following is an entry in ClinVar:

NM_002209.3(ITGAL):c.1188A>T (p.Thr396=)

Gene: ITGAL (integrin subunit alpha L; plus strand). Cytogenetic location: 16p11.2.
Variant type: single nucleotide variant.
Coding change: c.1188A>T on transcript NM_002209.3 (MANE Select); coding-DNA position 1188, A replaced by T.
Protein change: p.Thr396=; no amino-acid change (threonine 396 retained).
Molecular consequence: synonymous variant.
Genome position (GRCh38, 1-based): chr16:30,489,361, A>T. VCF-style: chr16-30489361-A-T. GRCh37 (hg19) VCF-style: chr16-30500682-A-T.
Other names: c.939A>T, p.Thr313= (NM_001114380.2).
Identifiers: ClinVar variation 4533456 (VCV004533456.6).

ClinVar aggregate classification (germline): Likely benign (1 of 4 stars; one submission).

gnomAD v4.1: 3,083 of 1,614,154 alleles (0.19%); highest among the groups gnomAD compares: South Asian, 0.48%; 11 homozygotes.

Submission:

CeGaT Center for Human Genetics Tuebingen
Classification: Likely benign. Last evaluated: 2025-10-01. Review status: criteria provided, single submitter. Criteria: CeGaT Center For Human Genetics Tuebingen Variant Classification Criteria Version 2. Collection method: clinical testing. Allele origin: germline. Affected: yes. Observed: 1 variant allele.
Comment: ITGAL: BP4, BP7